The following is an entry in ClinVar:

ClinVar aggregate classification (germline): Conflicting classifications of pathogenicity. Review status: criteria provided, conflicting classifications (1 of 4 stars). 3 submissions from 3 submitters: Uncertain significance (2); Likely benign (1). Last evaluated 2025-09-08.

Conditions:
KIDINS220-related disorder. Also called: KIDINS220-related condition.
Inborn genetic diseases. Identifiers: MedGen C0950123, MeSH D030342.

gnomAD v4.1: 82 of 1,614,058 alleles (0.0051%); highest among the groups gnomAD compares: South Asian, 0.046%; no homozygotes.

Submissions (3):

Labcorp Genetics (formerly Invitae), Labcorp
Classification: Uncertain significance. Last evaluated: 2025-09-08. Review status: criteria provided, single submitter. Criteria: Invitae Variant Classification Sherloc (09022015). Collection method: clinical testing. Allele origin: germline.
Comment: This sequence change replaces arginine, which is basic and polar, with cysteine, which is neutral and slightly polar, at codon 847 of the KIDINS220 protein (p.Arg847Cys). This variant is present in population databases (rs778173916, gnomAD 0.05%), including at least one homozygous and/or hemizygous individual. This variant has not been reported in the literature in individuals affected with KIDINS220-related conditions. ClinVar contains an entry for this variant (Variation ID: 2900920). An algorithm developed to predict the effect of missense changes on protein structure and function (PolyPhen-2) suggests that this variant is likely to be disruptive. In summary, the available evidence is currently insufficient to determine the role of this variant in disease. Therefore, it has been classified as a Variant of Uncertain Significance.

PreventionGenetics, part of Exact Sciences
Classification: Uncertain significance for KIDINS220-related condition. Last evaluated: 2025-07-14. Review status: criteria provided, single submitter. Criteria: ACMG Guidelines, 2015. Collection method: clinical testing. Allele origin: germline.
Comment: The KIDINS220 c.2539C>T variant is predicted to result in the amino acid substitution p.Arg847Cys. To our knowledge, this variant has not been reported in the literature. This variant is reported in 0.049% of alleles in individuals of South Asian descent in gnomAD. At this time, the clinical significance of this variant is uncertain due to the absence of conclusive functional and genetic evidence.

Ambry Genetics
Classification: Likely benign for Inborn genetic diseases. Last evaluated: 2024-03-19. Review status: criteria provided, single submitter. Criteria: Ambry Variant Classification Scheme 2023. Collection method: clinical testing. Allele origin: germline.

NM_020738.4(KIDINS220):c.2539C>T (p.Arg847Cys)

Gene: KIDINS220 (kinase D interacting substrate 220; minus strand). Cytogenetic location: 2p25.1.
Variant type: single nucleotide variant.
Coding change: c.2539C>T on transcript NM_020738.4 (MANE Select); coding-DNA position 2539, C replaced by T.
Protein change: p.Arg847Cys; replaces arginine 847 with cysteine.
Molecular consequence: missense variant. On other transcripts: non-coding transcript variant (2).
Genome position (GRCh38, 1-based): chr2:8,778,971, G>A on the plus strand (C>T on the coding strand, the complement: KIDINS220 is on the minus strand). VCF-style: chr2-8778971-G-A. GRCh37 (hg19) VCF-style: chr2-8919101-G-A.
Other names: c.2539C>T (NM_020738.2); c.2542C>T, p.Arg848Cys (NM_001348729.2, NM_001348731.2, NM_001348734.2 and 3 more transcripts); c.2539C>T, p.Arg847Cys (NM_001348732.2, NM_001348735.2, NM_001348738.2 and 3 more transcripts); c.2413C>T, p.Arg805Cys (NM_001348736.2); short protein forms R805C, R847C, R848C.
Identifiers: ClinVar variation 2900920 (VCV002900920.5), dbSNP rs778173916, ClinGen allele CA1519954.